The following is an entry in ClinVar:

NM_024301.5(FKRP):c.205T>C (p.Ser69Pro)

Gene: FKRP (fukutin related protein; plus strand). Cytogenetic location: 19q13.32.
Variant type: single nucleotide variant.
Coding change: c.205T>C on transcript NM_024301.5 (MANE Select); coding-DNA position 205, T replaced by C.
Protein change: p.Ser69Pro; replaces serine 69 with proline.
Molecular consequence: missense variant.
Genome position (GRCh38, 1-based): chr19:46,755,655, T>C. VCF-style: chr19-46755655-T-C. GRCh37 (hg19) VCF-style: chr19-47258912-T-C.
Other names: c.205T>C (NM_024301.4); c.205T>C, p.Ser69Pro (NM_001039885.3); short protein forms S69P.
Identifiers: ClinVar variation 999725 (VCV000999725.15), dbSNP rs990847012, ClinGen allele CA309099225.

ClinVar aggregate classification (germline): Conflicting classifications of pathogenicity. Review status: criteria provided, conflicting classifications (1 of 4 stars). 6 submissions from 6 submitters: Likely pathogenic (1); Uncertain significance (4). 1 of the submissions does not count toward it. Last evaluated 2026-03-17.

Conditions:
Muscular dystrophy-dystroglycanopathy type B5 (MDDGB5). Also called: MUSCULAR DYSTROPHY, CONGENITAL, 1C; MUSCULAR DYSTROPHY, CONGENITAL, FKRP-RELATED; MUSCULAR DYSTROPHY-DYSTROGLYCANOPATHY (CONGENITAL WITH OR WITHOUT IMPAIRED INTELLECTUAL DEVELOPMENT), TYPE B, 5. Identifiers: MedGen C1847759, MONDO:0011688, OMIM 606612.
Muscular dystrophy-dystroglycanopathy (congenital with brain and eye anomalies), type A5. Also called: MUSCULAR DYSTROPHY-DYSTROGLYCANOPATHY (CONGENITAL WITH BRAIN AND EYE ANOMALIES), TYPE A, 5; WALKER-WARBURG SYNDROME OR MUSCLE-EYE-BRAIN DISEASE, FKRP-RELATED. Identifiers: Orphanet 588, Orphanet 899, MedGen C3150413, MONDO:0013157, OMIM 613153.
Muscular dystrophy-dystroglycanopathy (congenital with brain and eye anomalies), type A1 (MDDGA1). Also called: COD-MD SYNDROME; Muscular dystrophy-dystroglycanopathy (congenital with brain and eye anomalies), type A, 1; WALKER-WARBURG SYNDROME OR MUSCLE-EYE-BRAIN DISEASE, POMT1-RELATED; Hydrocephalus, agyria and retinal dysplasia; Hard +/- E syndrome; Warburg syndrome. Identifiers: Orphanet 588, Orphanet 899, MedGen C4284790, MONDO:0009364, OMIM 236670.
Autosomal recessive limb-girdle muscular dystrophy type 2I. Also called: MUSCULAR DYSTROPHY-DYSTROGLYCANOPATHY, LIMB-GIRDLE, FRKP-RELATED; MUSCULAR DYSTROPHY, LIMB-GIRDLE, TYPE 2I; MUSCULAR DYSTROPHY-DYSTROGLYCANOPATHY (LIMB-GIRDLE), TYPE C, 5. Identifiers: Orphanet 34515, MedGen C1846672, MONDO:0011787, OMIM 607155.
Cardiovascular phenotype. Identifiers: MedGen CN230736.
Myopathy caused by variation in FKRP. Identifiers: MedGen CN305637, MONDO:0700066.
Walker-Warburg congenital muscular dystrophy. Also called: Muscular dystrophy-dystroglycanopathy, type A; Walker-Warburg syndrome. Identifiers: Orphanet 899, MedGen C0265221, MONDO:0000171.

Allele frequency attached by ClinVar (database versions not stated): gnomAD 0.00001; TOPMed 0.00001.

Submissions (6):

Myriad Genetics, Inc.
Classification: Uncertain significance for Myopathy caused by variation in FKRP. Last evaluated: 2026-03-17. Review status: criteria provided, single submitter. Criteria: Myriad Autosomal Dominant, Autosomal Recessive and X-Linked Classification Criteria (2023). Collection method: clinical testing. Allele origin: unknown.
Comment: NM_024301.4(FKRP):c.205T>C(S69P) is a missense variant classified as a variant of uncertain significance in the context of FKRP-related disorders. S69P has been observed in a case with relevant disease (PMID: 37853563). Relevant functional assessments of this variant are not available in the literature. S69P has not been observed in referenced population frequency databases. In summary, there is insufficient evidence to classify NM_024301.4(FKRP):c.205T>C(S69P) as pathogenic or benign. Please note: this variant was assessed in the context of healthy population screening.

Labcorp Genetics (formerly Invitae), Labcorp
Classification: Likely pathogenic for Walker-Warburg congenital muscular dystrophy. Last evaluated: 2023-11-05. Review status: criteria provided, single submitter. Criteria: Invitae Variant Classification Sherloc (09022015). Collection method: clinical testing. Allele origin: germline.
Comment: This sequence change replaces serine, which is neutral and polar, with proline, which is neutral and non-polar, at codon 69 of the FKRP protein (p.Ser69Pro). This variant is not present in population databases (gnomAD no frequency). This variant has not been reported in the literature in individuals affected with FKRP-related conditions. ClinVar contains an entry for this variant (Variation ID: 999725). Advanced modeling of protein sequence and biophysical properties (such as structural, functional, and spatial information, amino acid conservation, physicochemical variation, residue mobility, and thermodynamic stability) performed at Invitae indicates that this missense variant is expected to disrupt FKRP protein function with a positive predictive value of 95%. This variant disrupts the p.Ser69 amino acid residue in FKRP. Other variant(s) that disrupt this residue have been determined to be pathogenic (PMID: 27142102, 27439679). This suggests that this residue is clinically significant, and that variants that disrupt this residue are likely to be disease-causing. In summary, the currently available evidence indicates that the variant is pathogenic, but additional data are needed to prove that conclusively. Therefore, this variant has been classified as Likely Pathogenic.

Duke University Health System Sequencing Clinic, Duke University Health System
Classification: Uncertain significance for Autosomal recessive limb-girdle muscular dystrophy type 2I. Last evaluated: 2023-04-20. Review status: criteria provided, single submitter. Criteria: ACMG Guidelines, 2015. Collection method: research. Allele origin: paternal. Affected: yes.

Fulgent Genetics
Classification: Uncertain significance for Muscular dystrophy-dystroglycanopathy (congenital with brain and eye anomalies), type A1; Muscular dystrophy-dystroglycanopathy type B5; Autosomal recessive limb-girdle muscular dystrophy type 2I; Muscular dystrophy-dystroglycanopathy (congenital with brain and eye anomalies), type A5. Last evaluated: 2021-09-23. Review status: criteria provided, single submitter. Criteria: ACMG Guidelines, 2015. Collection method: clinical testing. Allele origin: unknown.

Ambry Genetics
Classification: Uncertain significance for Cardiovascular phenotype. Last evaluated: 2019-03-20. Review status: criteria provided, single submitter. Criteria: Ambry Variant Classification Scheme 2023. Collection method: clinical testing. Allele origin: germline.
Comment: The p.S69P variant (also known as c.205T>C), located in coding exon 1 of the FKRP gene, results from a T to C substitution at nucleotide position 205. The serine at codon 69 is replaced by proline, an amino acid with similar properties. This amino acid position is highly conserved in available vertebrate species. In addition, this alteration is predicted to be deleterious by in silico analysis. Since supporting evidence is limited at this time, the clinical significance of this alteration remains unclear.

Natera, Inc.
Classification: Uncertain significance for Limb-girdle muscular dystrophy type 2I. Last evaluated: 2021-10-04. Review status: no assertion criteria provided. Collection method: clinical testing. Allele origin: germline. Not counted in ClinVar's aggregate classification.

Literature cited by the submitters: PubMed 37853563 (cited by Myriad Genetics, Inc.); PubMed 27142102 (cited by Labcorp Genetics (formerly Invitae), Labcorp); PubMed 27439679 (cited by Labcorp Genetics (formerly Invitae), Labcorp).